The following is an entry in ClinVar:

ClinVar aggregate classification (germline): Uncertain significance. Review status: criteria provided, multiple submitters, no conflicts (2 of 4 stars). 3 submissions from 3 submitters: Uncertain significance (3). Last evaluated 2024-05-31.

Conditions:
Congenital muscular dystrophy due to integrin alpha-7 deficiency. Also called: MYOPATHY, CONGENITAL, DUE TO INTEGRIN ALPHA-7 DEFICIENCY; Congenital muscular dystrophy with integrin alpha-7 deficiency; Muscular dystrophy, congenital, due to ITGA7 deficiency. Identifiers: Orphanet 34520, MedGen C2750786, MONDO:0013177, OMIM 613204.

Allele frequency attached by ClinVar (database versions not stated): TOPMed 0.00003; gnomAD 0.00004; gnomAD exomes 0.00005 and 0.00026; ExAC 0.00006.
gnomAD v4.1: 367 of 1,613,778 alleles (0.023%); highest among the groups gnomAD compares: Non-Finnish European, 0.031%; no homozygotes.

Submissions (3):

Revvity Omics, Revvity
Classification: Uncertain significance for Congenital muscular dystrophy due to integrin alpha-7 deficiency. Last evaluated: 2024-05-31. Review status: criteria provided, single submitter. Criteria: ACMG Guidelines, 2015. Collection method: clinical testing. Allele origin: germline.

Labcorp Genetics (formerly Invitae), Labcorp
Classification: Uncertain significance for Congenital muscular dystrophy due to integrin alpha-7 deficiency. Last evaluated: 2024-01-18. Review status: criteria provided, single submitter. Criteria: Invitae Variant Classification Sherloc (09022015). Collection method: clinical testing. Allele origin: germline.
Comment: This sequence change replaces aspartic acid, which is acidic and polar, with asparagine, which is neutral and polar, at codon 640 of the ITGA7 protein (p.Asp640Asn). This variant is present in population databases (rs751879922, gnomAD 0.01%). This variant has not been reported in the literature in individuals affected with ITGA7-related conditions. ClinVar contains an entry for this variant (Variation ID: 309786). Advanced modeling of protein sequence and biophysical properties (such as structural, functional, and spatial information, amino acid conservation, physicochemical variation, residue mobility, and thermodynamic stability) has been performed at Invitae for this missense variant, however the output from this modeling did not meet the statistical confidence thresholds required to predict the impact of this variant on ITGA7 protein function. In summary, the available evidence is currently insufficient to determine the role of this variant in disease. Therefore, it has been classified as a Variant of Uncertain Significance.

Ambry Genetics
Classification: Uncertain significance. Last evaluated: 2022-04-07. Review status: criteria provided, single submitter. Criteria: Ambry Variant Classification Scheme 2023. Collection method: clinical testing. Allele origin: germline.

NM_002206.3(ITGA7):c.1918G>A (p.Asp640Asn)

Gene: ITGA7 (integrin subunit alpha 7; minus strand). Cytogenetic location: 12q13.2.
Variant type: single nucleotide variant.
Coding change: c.1918G>A on transcript NM_002206.3 (MANE Select); coding-DNA position 1918, G replaced by A.
Protein change: p.Asp640Asn; replaces aspartic acid 640 with asparagine.
Molecular consequence: missense variant.
Genome position (GRCh38, 1-based): chr12:55,695,607, C>T on the plus strand (G>A on the coding strand, the complement: ITGA7 is on the minus strand). VCF-style: chr12-55695607-C-T. GRCh37 (hg19) VCF-style: chr12-56089391-C-T.
Other names: c.1930G>A, p.Asp644Asn (NM_001144996.2); c.1639G>A, p.Asp547Asn (NM_001144997.2); c.1591G>A, p.Asp531Asn (NM_001367993.1); c.574G>A, p.Asp192Asn (NM_001367994.1); c.1900G>A, p.Asp634Asn (NM_001374465.1); c.2050G>A, p.Asp684Asn (NM_001410977.1); c.1912G>A, p.Asp638Asn (NM_001414029.1); c.1843G>A, p.Asp615Asn (NM_001414030.1); and 5 more; short protein forms D547N, D640N, D192N, D531N, D644N, D634N, D684N, D527N.
Identifiers: ClinVar variation 309786 (VCV000309786.12), dbSNP rs751879922, ClinGen allele CA6615790.